The following is an entry in ClinVar:

NM_182914.3(SYNE2):c.20366C>A (p.Ala6789Asp)

Gene: SYNE2 (spectrin repeat containing nuclear envelope protein 2; plus strand). Cytogenetic location: 14q23.2.
Variant type: single nucleotide variant.
Coding change: c.20366C>A on transcript NM_182914.3 (MANE Select); coding-DNA position 20366, C replaced by A.
Protein change: p.Ala6789Asp; replaces alanine 6789 with aspartic acid.
Molecular consequence: missense variant.
Genome position (GRCh38, 1-based): chr14:64,223,364, C>A. VCF-style: chr14-64223364-C-A. GRCh37 (hg19) VCF-style: chr14-64690082-C-A.
Other names: c.20297C>A, p.Ala6766Asp (NM_015180.6); c.932C>A, p.Ala311Asp (NM_182910.2); c.1310C>A, p.Ala437Asp (NM_182913.4); short protein forms A6766D, A437D, A6789D, A311D.
Identifiers: ClinVar variation 661041 (VCV000661041.8), dbSNP rs765411016, ClinGen allele CA389978060.

ClinVar aggregate classification (germline): Uncertain significance (1 of 4 stars; one submission).

Conditions:
Emery-Dreifuss muscular dystrophy 5, autosomal dominant (EDMD5). Also called: EMERY-DREIFUSS MUSCULAR DYSTROPHY 5. Identifiers: Orphanet 261, MedGen C2751805, MONDO:0013072, OMIM 612999.

Submission:

Labcorp Genetics (formerly Invitae), Labcorp
Classification: Uncertain significance for Emery-Dreifuss muscular dystrophy 5, autosomal dominant. Last evaluated: 2022-07-05. Review status: criteria provided, single submitter. Criteria: Invitae Variant Classification Sherloc (09022015). Collection method: clinical testing. Allele origin: germline.
Comment: Algorithms developed to predict the effect of missense changes on protein structure and function (SIFT, PolyPhen-2, Align-GVGD) all suggest that this variant is likely to be tolerated. In summary, the available evidence is currently insufficient to determine the role of this variant in disease. Therefore, it has been classified as a Variant of Uncertain Significance. ClinVar contains an entry for this variant (Variation ID: 661041). This variant is not present in population databases (gnomAD no frequency). This variant has not been reported in the literature in individuals affected with SYNE2-related conditions. This sequence change replaces alanine, which is neutral and non-polar, with aspartic acid, which is acidic and polar, at codon 6789 of the SYNE2 protein (p.Ala6789Asp).